The following is an entry in ClinVar:

ClinVar aggregate classification (germline): Pathogenic. Review status: reviewed by expert panel (3 of 4 stars). 3 submissions from 3 submitters: Pathogenic (1). 2 of the submissions do not count toward it. Last evaluated 2025-05-20.

Conditions:
RPGR-related retinopathy. Also called: RPGR retinopathy. Identifiers: MedGen CN305589, MONDO:0100437.
Retinitis pigmentosa 3. Also called: CHOROIDORETINAL DEGENERATION WITH RETINAL REFLEX IN HETEROZYGOUS WOMEN. Identifiers: Orphanet 791, MedGen C1845667, MONDO:0010227, OMIM 300029.
RPGR-related disorder. Also called: RPGR-related condition.

Submissions (3):

ClinGen X-linked Inherited Retinal Disease Variant Curation Expert Panel, ClinGen
Classification: Pathogenic for RPGR-related retinopathy. Last evaluated: 2025-05-20. Review status: reviewed by expert panel. Criteria: ClinGen X LinkedIRD ACMG Specifications RPGR V1.0.0. Collection method: curation. Allele origin: germline. Inheritance: X-linked inheritance.
Comment: NM_001034853.2(RPGR):c.2455_2468dup (p.Gly824Ter) is an insertion variant that introduces a premature stop codon into exon 15 of 15 before amino acid 1132, which is predicted not to trigger nonsense-mediated decay but rather to disrupt a critical C-terminal region required for proper glutamylation of RPGR (PVS1, PMID: 36445968). This variant is absent from hemizygous individuals in gnomAD v4.1.0 (PM2_Supporting). At least one proband harboring this variant exhibits a phenotype including childhood onset (1 pt), optic nerve pallor (0.5 pts), pigmentary retinopathy (0.5 pts), poor pupillary light response (0.5 pts), and decreased central vision acuity (0.5 pts), with genotyping by a 365-gene next-generation sequencing panel that excluded alternative causes of disease (2 pts), which together are specific for RPGR-related retinopathy (5 points, PMID: 34828430, PP4). In summary, this variant is classified as pathogenic for RPGR-related retinopathy based on the ClinGen X-linked Inherited Retinal Disease Expert Panel Specifications to the ACMG/AMP Variant Interpretation Guidelines for RPGR Version 1.0.0; PVS1, PM2_supporting, and PP4. (date of approval 05/16/2025).

Blueprint Genetics
Classification: Likely pathogenic for RPGR-related disorders. Last evaluated: 2021-06-17. Review status: criteria provided, single submitter. Criteria: ACMG Guidelines, 2015. Collection method: clinical testing. Allele origin: germline. Affected: yes. Observed: 1 variant allele. Not counted in ClinVar's aggregate classification.

DBGen Ocular Genomics
Classification: Uncertain significance for Retinitis pigmentosa 3. Last evaluated: 2021-05-25. Review status: criteria provided, single submitter. Criteria: ACMG Guidelines, 2015. Collection method: clinical testing. Allele origin: germline. Affected: yes. Observed: 1 variant allele. Not counted in ClinVar's aggregate classification.

NM_001034853.2(RPGR):c.2455_2468dup (p.Lys823_Gly824insTer)

Gene: RPGR (retinitis pigmentosa GTPase regulator; minus strand). Cytogenetic location: Xp11.4.
Variant type: Duplication.
Coding change: c.2455_2468dup on transcript NM_001034853.2 (MANE Select); coding-DNA positions 2455 to 2468, 14 bases duplicated (GTAGAGGAGGGGAA).
Protein change: p.Lys823_Gly824insTer.
Molecular consequence: nonsense, inframe insertion. On other transcripts: intron variant (8).
Genome position (GRCh38, 1-based): chrX:38,286,531-38,286,544, TTCCCCTCCTCTAC duplicated on the plus strand (GTAGAGGAGGGGAA on the coding strand, the reverse complement: RPGR is on the minus strand); duplicating any 14 consecutive bases within chrX:38,286,531-38,286,553 gives the same sequence; the c. name uses the placement nearest the transcript's 3' end. VCF-style (leftmost placement, unchanged base first): chrX-38286530-T-TTTCCCCTCCTCTAC. GRCh37 (hg19) VCF-style: chrX-38145783-T-TTTCCCCTCCTCTAC.
Other names: NM_001034853.2(RPGR):c.2455_2468dup; p.Lys823_Gly824insTer; c.1569+4415_1569+4428dup (NM_001367249.1, NM_001367250.1); c.1902+550_1902+563dup (NM_001367245.1); c.1386+4415_1386+4428dup (NM_001367251.1); c.1719+550_1719+563dup (NM_001367246.1); c.1572+4415_1572+4428dup (NM_001367247.1); c.1905+550_1905+563dup (NM_000328.3); and 1 more.
Identifiers: ClinVar variation 1172696 (VCV001172696.3), dbSNP rs2147197604, ClinGen allele CA2499226689.